The following is an entry in ClinVar:

NM_000132.4(F8):c.5960_5964del (p.Lys1987fs)

Gene: F8 (coagulation factor VIII; minus strand). Cytogenetic location: Xq28.
Variant type: Deletion.
Coding change: c.5960_5964del on transcript NM_000132.4 (MANE Select); coding-DNA positions 5960 to 5964, 5 bases deleted (AAGAG; older notation c.5960_5964delAAGAG).
Protein change: p.Lys1987fs; shifts the reading frame from lysine 1987.
Molecular consequence: frameshift variant.
Genome position (GRCh38, 1-based): chrX:154,903,940-154,903,944, CTCTT deleted on the plus strand (AAGAG on the coding strand, the reverse complement: F8 is on the minus strand). VCF-style (leftmost placement, unchanged base first): chrX-154903939-CCTCTT-C. GRCh37 (hg19) VCF-style: chrX-154132214-CCTCTT-C.
Other names: c.5960_5964delAAGAG (NM_000132.3); short protein forms K1987fs.
Identifiers: ClinVar variation 618100 (VCV000618100.8), dbSNP rs1569559514, ClinGen allele CA913191123.
Genomic context (GRCh38, chrX:154,903,939, plus strand): 5'-GAAGAAAGAGCACAAACAAGCTCATACCTGGATAGAGATTGTACAGTGCCATTTTATACT[CCTCTT>C]TTTTTCGTACAGTGAACACATGTCCACTGAAATGAATAGAATGGATGTTTTCATTGCTGC-3'

ClinVar aggregate classification (germline): Pathogenic (1 of 4 stars; one submission).

Submission:

ARUP Laboratories, Molecular Genetics and Genomics, ARUP Laboratories
Classification: Pathogenic. Last evaluated: 2017-12-28. Review status: criteria provided, single submitter. Criteria: ARUP Molecular Germline Variant Investigation Process. Collection method: clinical testing. Allele origin: germline.
Comment: The F8 c.5960_5964delAAGAG; p.Lys1987fs variant is not published in the medical literature, in gene-specific databases, or in the ClinVar database. However, other deletions in the region are described in the medical literature in individuals with hemophilia A (Nair 2014, Vinciguerra 2006). The c.5960_5964del variant is not listed in the dbSNP variant database or included in the general population-based databases. This variant deletes 5 nucleotides, leading to a frameshift, and is predicted to result in a truncated protein or mRNA subject to non-sense mediated decay. Considering available information, this variant is classified as pathogenic. References: Nair PS et al. Mutations in intron 1 and intron 22 inversion negative haemophilia A patients from Western India. PLoS One. 2014 May 20;9(5):e97337. Vinciguerra C et al. Characterisation of 96 mutations in 128 unrelated severe haemophilia A patients from France. Description of 62 novel mutations. Thromb Haemost. 2006 Apr;95(4):593-9.